The following is an entry in ClinVar:

ClinVar aggregate classification (germline): Conflicting classifications of pathogenicity. Review status: criteria provided, conflicting classifications (1 of 4 stars). 2 submissions from 2 submitters: Likely pathogenic (1); Uncertain significance (1). Last evaluated 2025-04-30.

Conditions:
Cardiovascular phenotype. Identifiers: MedGen CN230736.
Hereditary cancer-predisposing syndrome. Also called: Neoplastic Syndromes, Hereditary; Tumor predisposition; Hereditary neoplastic syndrome; Hereditary Cancer Syndrome. Identifiers: Orphanet 140162, MedGen C0027672, MeSH D009386, MONDO:0015356.
Neurofibromatosis, type 1 (NF1). Also called: VON RECKLINGHAUSEN DISEASE; Peripheral type neurofibromatosis; Neurofibromatosis, type I; NEUROFIBROMATOSIS, TYPE I, SOMATIC. Identifiers: Orphanet 636, MedGen C0027831, MONDO:0018975, OMIM 162200. Disease mechanism: loss of function.

Submissions (2):

Labcorp Genetics (formerly Invitae), Labcorp
Classification: Uncertain significance for Neurofibromatosis, type 1. Last evaluated: 2025-04-30. Review status: criteria provided, single submitter. Criteria: Invitae Variant Classification Sherloc (09022015). Collection method: clinical testing. Allele origin: germline.
Comment: This sequence change falls in intron 27 of the NF1 gene. It does not directly change the encoded amino acid sequence of the NF1 protein. This variant is not present in population databases (gnomAD no frequency). This variant has been observed in individual(s) with NF1-related conditions (PMID: 32575496). Algorithms developed to predict the effect of sequence changes on RNA splicing suggest that this variant may disrupt the consensus splice site. In summary, the available evidence is currently insufficient to determine the role of this variant in disease. Therefore, it has been classified as a Variant of Uncertain Significance.

Ambry Genetics
Classification: Likely pathogenic for Cardiovascular phenotype; Hereditary cancer-predisposing syndrome. Last evaluated: 2025-03-13. Review status: criteria provided, single submitter. Criteria: Ambry Variant Classification Scheme 2023. Collection method: clinical testing. Allele origin: germline.
Comment: The c.3709-9T>A intronic variant results from a T to A substitution 9 nucleotides upstream from coding exon 28 in the NF1 gene. This variant was reported in individual(s) with features consistent with neurofibromatosis type 1 (Bianchessi D et al. Genes (Basel), 2020 Jun;11:; Ambry internal data). This nucleotide position is highly conserved in available vertebrate species. In silico splice site analysis predicts that this alteration may weaken the native splice acceptor site and will result in the creation or strengthening of a novel splice acceptor site. RNA studies have demonstrated that this alteration results in abnormal splicing in the set of samples tested (Ambry internal data). This variant is considered to be rare based on population cohorts in the Genome Aggregation Database (gnomAD). Based on the majority of available evidence to date, this variant is likely to be pathogenic.

Literature cited by the submitters: PubMed 32575496 (cited by Labcorp Genetics (formerly Invitae), Labcorp and Ambry Genetics).

NM_001042492.3(NF1):c.3709-9T>A

Gene: NF1 (neurofibromin 1; plus strand). Cytogenetic location: 17q11.2.
Variant type: single nucleotide variant.
Coding change: c.3709-9T>A on transcript NM_001042492.3 (MANE Select); 9 bases into the intron before coding-DNA position 3709, T replaced by A.
Molecular consequence: intron variant.
Genome position (GRCh38, 1-based): chr17:31,235,602, T>A. VCF-style: chr17-31235602-T-A. GRCh37 (hg19) VCF-style: chr17-29562620-T-A.
Other names: c.3709-9T>A (NM_000267.4).
Identifiers: ClinVar variation 3879130 (VCV003879130.2).